The following is an entry in ClinVar:

ClinVar aggregate classification (germline): Uncertain significance. Review status: criteria provided, multiple submitters, no conflicts (2 of 4 stars). 2 submissions from 2 submitters: Uncertain significance (2). Last evaluated 2022-10-12.

Conditions:
Inborn genetic diseases. Identifiers: MedGen C0950123, MeSH D030342.
Cowden syndrome (CS). Also called: Cowden disease; Cowden's disease; Cowden's syndrome. Identifiers: Orphanet 201, MedGen C0018553, MONDO:0016063. Disease mechanism: gain of function.

Submissions (2):

Ambry Genetics
Classification: Uncertain significance for Inborn genetic diseases. Last evaluated: 2022-10-12. Review status: criteria provided, single submitter. Criteria: Ambry Variant Classification Scheme 2023. Collection method: clinical testing. Allele origin: germline.
Comment: The p.M123V variant (also known as c.367A>G), located in coding exon 2 of the PIK3CA gene, results from an A to G substitution at nucleotide position 367. The methionine at codon 123 is replaced by valine, an amino acid with highly similar properties. This amino acid position is conserved. In addition, the in silico prediction for this alteration is inconclusive. Since supporting evidence is limited at this time, the clinical significance of this alteration remains unclear.

Labcorp Genetics (formerly Invitae), Labcorp
Classification: Uncertain significance for Cowden syndrome. Last evaluated: 2019-12-17. Review status: criteria provided, single submitter. Criteria: Invitae Variant Classification Sherloc (09022015). Collection method: clinical testing. Allele origin: germline.
Comment: In summary, the available evidence is currently insufficient to determine the role of this variant in disease. Therefore, it has been classified as a Variant of Uncertain Significance. Algorithms developed to predict the effect of missense changes on protein structure and function (SIFT, PolyPhen-2, Align-GVGD) all suggest that this variant is likely to be tolerated, but these predictions have not been confirmed by published functional studies and their clinical significance is uncertain. This variant has not been reported in the literature in individuals with PIK3CA-related conditions. This variant is not present in population databases (ExAC no frequency). This sequence change replaces methionine with valine at codon 123 of the PIK3CA protein (p.Met123Val). The methionine residue is highly conserved and there is a small physicochemical difference between methionine and valine.

NM_006218.4(PIK3CA):c.367A>G (p.Met123Val)

Gene: PIK3CA (phosphatidylinositol-4,5-bisphosphate 3-kinase catalytic subunit alpha; plus strand). Cytogenetic location: 3q26.32.
Variant type: single nucleotide variant.
Coding change: c.367A>G on transcript NM_006218.4 (MANE Select); coding-DNA position 367, A replaced by G.
Protein change: p.Met123Val; replaces methionine 123 with valine.
Molecular consequence: missense variant.
Genome position (GRCh38, 1-based): chr3:179,199,704, A>G. VCF-style: chr3-179199704-A-G. GRCh37 (hg19) VCF-style: chr3-178917492-A-G.
Other names: short protein forms M123V.
Identifiers: ClinVar variation 854763 (VCV000854763.14), dbSNP rs1724359925, ClinGen allele CA355272902.